The following is an entry in ClinVar:

NM_133497.4(KCNV2):c.920T>G (p.Met307Arg)

Gene: KCNV2 (potassium voltage-gated channel modifier subfamily V member 2; plus strand). Cytogenetic location: 9p24.2.
Variant type: single nucleotide variant.
Coding change: c.920T>G on transcript NM_133497.4 (MANE Select); coding-DNA position 920, T replaced by G.
Protein change: p.Met307Arg; replaces methionine 307 with arginine.
Molecular consequence: missense variant.
Genome position (GRCh38, 1-based): chr9:2,718,659, T>G. VCF-style: chr9-2718659-T-G. GRCh37 (hg19) VCF-style: chr9-2718659-T-G.
Other names: short protein forms M307R.
Identifiers: ClinVar variation 389005 (VCV000389005.14), dbSNP rs201074293, ClinGen allele CA4965683.

ClinVar aggregate classification (germline): Benign/Likely benign. Review status: criteria provided, multiple submitters, no conflicts (2 of 4 stars). 3 submissions from 3 submitters: Benign (1); Likely benign (1). 1 of the submissions does not count toward it. Last evaluated 2026-01-13.

Conditions:
KCNV2-related disorder. Also called: KCNV2-related condition.

Allele frequency attached by ClinVar (database versions not stated): gnomAD 0.00054; TOPMed 0.00066; ExAC 0.00118; gnomAD exomes 0.00118; 1000 Genomes Project 30x 0.00406; 1000 Genomes Project 0.00479.
gnomAD v4.1: 678 of 1,613,394 alleles (0.042%); highest among the groups gnomAD compares: East Asian, 0.97%; 10 homozygotes.

Submissions (3):

Labcorp Genetics (formerly Invitae), Labcorp
Classification: Benign. Last evaluated: 2026-01-13. Review status: criteria provided, single submitter. Criteria: Invitae Variant Classification Sherloc (09022015). Collection method: clinical testing. Allele origin: germline.

GeneDx
Classification: Likely benign. Last evaluated: 2016-09-08. Review status: criteria provided, single submitter. Criteria: GeneDx Variant Classification (06012015). Collection method: clinical testing. Allele origin: germline. Affected: yes.
Comment: This variant is considered likely benign or benign based on one or more of the following criteria: it is a conservative change, it occurs at a poorly conserved position in the protein, it is predicted to be benign by multiple in silico algorithms, and/or has population frequency not consistent with disease.

PreventionGenetics, part of Exact Sciences
Classification: Benign for KCNV2-related condition. Last evaluated: 2019-06-20. Review status: no assertion criteria provided. Collection method: clinical testing. Allele origin: germline. Not counted in ClinVar's aggregate classification.
Comment: This variant is classified as benign based on ACMG/AMP sequence variant interpretation guidelines (Richards et al. 2015 PMID: 25741868, with internal and published modifications).